The following is an entry in ClinVar:

NM_002430.3(MN1):c.3374del (p.Gly1125fs)

Gene: MN1 (MN1 proto-oncogene, transcriptional regulator; minus strand). Cytogenetic location: 22q12.1.
Variant type: Deletion.
Coding change: c.3374del on transcript NM_002430.3 (MANE Select); coding-DNA position 3374, one base deleted (G; older notation c.3374delG).
Protein change: p.Gly1125fs; shifts the reading frame from glycine 1125.
Molecular consequence: frameshift variant.
Genome position (GRCh38, 1-based): chr22:27,797,170, C deleted on the plus strand (G on the coding strand, the reverse complement: MN1 is on the minus strand); the first of 3 consecutive C bases (chr22:27,797,170-27,797,172); deleting any one gives the same sequence. VCF-style (leftmost placement, unchanged base first): chr22-27797169-GC-G. GRCh37 (hg19) VCF-style: chr22-28193157-GC-G.
Other names: short protein forms G1125fs.
Identifiers: ClinVar variation 1311783 (VCV001311783.2), dbSNP rs2146315503, ClinGen allele CA2573054989.

ClinVar aggregate classification (germline): Uncertain significance (1 of 4 stars; one submission).

Submission:

GeneDx
Classification: Uncertain significance. Last evaluated: 2019-12-26. Review status: criteria provided, single submitter. Criteria: GeneDx Variant Classification Process June 2021. Collection method: clinical testing. Allele origin: germline. Affected: yes.
Comment: Not observed in large population cohorts (Lek et al., 2016); Frameshift variant predicted to result in protein truncation or nonsense mediated decay in a gene for which loss-of-function is not a known mechanism of disease; Has not been previously published as pathogenic or benign to our knowledge